The following is an entry in ClinVar:

NM_004415.4(DSP):c.2722C>T (p.Arg908Cys)

Gene: DSP (desmoplakin; plus strand). Cytogenetic location: 6p24.3.
Variant type: single nucleotide variant.
Coding change: c.2722C>T on transcript NM_004415.4 (MANE Select); coding-DNA position 2722, C replaced by T.
Protein change: p.Arg908Cys; replaces arginine 908 with cysteine.
Molecular consequence: missense variant.
Genome position (GRCh38, 1-based): chr6:7,576,385, C>T. VCF-style: chr6-7576385-C-T. GRCh37 (hg19) VCF-style: chr6-7576618-C-T.
Other names: c.2722C>T, p.Arg908Cys (NM_001008844.3, NM_001319034.2); c.2722C>T (NM_004415.3, LRG_423t1); short protein forms R908C.
Identifiers: ClinVar variation 413267 (VCV000413267.17), dbSNP rs376932045, ClinGen allele CA034773.
Genomic context (GRCh38, chr6:7,576,385, plus strand): 5'-TTGAGGAATTATCGTGATAACTATCAGGCTTTCTGCAAGTGGCTCTATGATGCTAAACGC[C>T]GCCAGGATTCCTTAGAATCCATGAAATTTGGAGATTCCAACACAGTCATGCGGTTTTTGA-3'
Protein context (NP_004406.2, residues 898-918): FCKWLYDAKR[Arg908Cys]QDSLESMKFG

ClinVar aggregate classification (germline): Likely benign. Review status: criteria provided, multiple submitters, no conflicts (2 of 4 stars). 4 submissions from 4 submitters: Likely benign (3). 1 of the submissions does not count toward it. Last evaluated 2026-01-27.

Conditions:
Cardiovascular phenotype. Identifiers: MedGen CN230736.
DSP-related disorder. Also called: DSP-related condition; DSP-related disorders.
Arrhythmogenic right ventricular dysplasia 8 (ARVD8). Also called: ARRHYTHMOGENIC RIGHT VENTRICULAR DYSPLASIA, FAMILIAL, 8; ARRHYTHMOGENIC RIGHT VENTRICULAR CARDIOMYOPATHY 8; Arrhythmogenic Right Ventricular Dysplasia/Cardiomyopathy 8. Identifiers: MedGen C1843896, MONDO:0011831, OMIM 607450.
Arrhythmogenic cardiomyopathy with wooly hair and keratoderma. Also called: Arrhythmogenic cardiomyopathy with woolly hair and keratoderma; PALMOPLANTAR KERATODERMA WITH LEFT VENTRICULAR CARDIOMYOPATHY AND WOOLLY HAIR; Dilated cardiomyopathy with woolly hair and keratoderma; Carvajal syndrome. Identifiers: Orphanet 65282, MedGen C1854063, MONDO:0011581, OMIM 605676.
Cardiomyopathy (CMYO). Also called: Cardiomyopathies. Identifiers: Orphanet 167848, MedGen C0878544, MONDO:0004994, HP:0001638. Inheritance: Various modes of inheritance.

Allele frequency attached by ClinVar (database versions not stated): gnomAD 0.00003; ESP Exome Variant Server 0.00008; ExAC 0.00019; 1000 Genomes Project 0.00020; TOPMed 0.00023; gnomAD exomes 0.00027; 1000 Genomes Project 30x 0.00031.
gnomAD v4.1: 83 of 1,614,060 alleles (0.0051%); highest among the groups gnomAD compares: Admixed American, 0.12%; no homozygotes.

Submissions (4):

Labcorp Genetics (formerly Invitae), Labcorp
Classification: Likely benign for Arrhythmogenic cardiomyopathy with wooly hair and keratoderma; Arrhythmogenic right ventricular dysplasia 8. Last evaluated: 2026-01-27. Review status: criteria provided, single submitter. Criteria: Invitae Variant Classification Sherloc (09022015). Collection method: clinical testing. Allele origin: germline.

Ambry Genetics
Classification: Likely benign for Cardiovascular phenotype. Last evaluated: 2022-11-09. Review status: criteria provided, single submitter. Criteria: Ambry Variant Classification Scheme 2023. Collection method: clinical testing. Allele origin: germline.

Color Diagnostics, LLC DBA Color Health
Classification: Likely benign for Cardiomyopathy. Last evaluated: 2019-01-28. Review status: criteria provided, single submitter. Criteria: ACMG Guidelines, 2015. Collection method: clinical testing. Allele origin: germline.

PreventionGenetics, part of Exact Sciences
Classification: Likely benign for DSP-related condition. Last evaluated: 2022-10-07. Review status: no assertion criteria provided. Collection method: clinical testing. Allele origin: germline. Not counted in ClinVar's aggregate classification.
Comment: This variant is classified as likely benign based on ACMG/AMP sequence variant interpretation guidelines (Richards et al. 2015 PMID: 25741868, with internal and published modifications).